The following is an entry in ClinVar:

NM_020754.4(ARHGAP31):c.3797A>G (p.Asp1266Gly)

Gene: ARHGAP31 (Rho GTPase activating protein 31; plus strand). Cytogenetic location: 3q13.33.
Variant type: single nucleotide variant.
Coding change: c.3797A>G on transcript NM_020754.4 (MANE Select); coding-DNA position 3797, A replaced by G.
Protein change: p.Asp1266Gly; replaces aspartic acid 1266 with glycine.
Molecular consequence: missense variant.
Genome position (GRCh38, 1-based): chr3:119,415,726, A>G. VCF-style: chr3-119415726-A-G. GRCh37 (hg19) VCF-style: chr3-119134573-A-G.
Other names: short protein forms D1266G.
Identifiers: ClinVar variation 4806097 (VCV004806097.1).

ClinVar aggregate classification (germline): Uncertain significance (1 of 4 stars; one submission).

gnomAD v4.1: 1 of 1,614,066 alleles (0.000062%); highest among the groups gnomAD compares: Non-Finnish European, 0.000085%; no homozygotes.

Submission:

Labcorp Genetics (formerly Invitae), Labcorp
Classification: Uncertain significance. Last evaluated: 2025-03-06. Review status: criteria provided, single submitter. Criteria: Invitae Variant Classification Sherloc (09022015). Collection method: clinical testing. Allele origin: germline.
Comment: This sequence change replaces aspartic acid, which is acidic and polar, with glycine, which is neutral and non-polar, at codon 1266 of the ARHGAP31 protein (p.Asp1266Gly). This variant is not present in population databases (gnomAD no frequency). This variant has not been reported in the literature in individuals affected with ARHGAP31-related conditions. An algorithm developed to predict the effect of missense changes on protein structure and function (PolyPhen-2) suggests that this variant is likely to be disruptive. In summary, the available evidence is currently insufficient to determine the role of this variant in disease. Therefore, it has been classified as a Variant of Uncertain Significance.